The following is an entry in ClinVar:

ClinVar aggregate classification (germline): Uncertain significance (1 of 4 stars; one submission).

gnomAD v4.1: 3 of 1,614,188 alleles (0.00019%); highest among the groups gnomAD compares: Middle Eastern, 0.017%; no homozygotes.

Submission:

GeneDx
Classification: Uncertain significance. Last evaluated: 2025-04-30. Review status: criteria provided, single submitter. Criteria: GeneDx Variant Classification Process June 2021. Collection method: clinical testing. Allele origin: germline. Affected: yes.
Comment: Not observed at significant frequency in large population cohorts (gnomAD); In silico analysis indicates that this missense variant does not alter protein structure/function; Has not been previously published as pathogenic or benign to our knowledge

NM_001347886.2(DNAH3):c.2626G>T (p.Ala876Ser)

Gene: DNAH3 (dynein axonemal heavy chain 3; minus strand). Cytogenetic location: 16p12.3.
Variant type: single nucleotide variant.
Coding change: c.2626G>T on transcript NM_001347886.2 (MANE Select); coding-DNA position 2626, G replaced by T.
Protein change: p.Ala876Ser; replaces alanine 876 with serine.
Molecular consequence: missense variant.
Genome position (GRCh38, 1-based): chr16:21,086,962, C>A on the plus strand (G>T on the coding strand, the complement: DNAH3 is on the minus strand). VCF-style: chr16-21086962-C-A. GRCh37 (hg19) VCF-style: chr16-21098283-C-A.
Other names: c.2764G>T, p.Ala922Ser (NM_017539.2); short protein forms A876S, A922S.
Identifiers: ClinVar variation 4527888 (VCV004527888.1).